The following is an entry in ClinVar:

ClinVar aggregate classification (germline): Uncertain significance (1 of 4 stars; one submission).

Allele frequency attached by ClinVar (database versions not stated): gnomAD exomes below 0.00001; TOPMed below 0.00001.
gnomAD v4.1: 1 of 1,613,580 alleles (0.000062%); highest among the groups gnomAD compares: Non-Finnish European, 0.000085%; no homozygotes.

Submission:

CeGaT Center for Human Genetics Tuebingen
Classification: Uncertain significance. Last evaluated: 2022-12-01. Review status: criteria provided, single submitter. Criteria: CeGaT Center For Human Genetics Tuebingen Variant Classification Criteria Version 2. Collection method: clinical testing. Allele origin: germline. Affected: yes. Observed: 1 variant allele.
Comment: ALDH18A1: PM2

NM_002860.4(ALDH18A1):c.286G>T (p.Ala96Ser)

Gene: ALDH18A1 (aldehyde dehydrogenase 18 family member A1; minus strand). Cytogenetic location: 10q24.1.
Variant type: single nucleotide variant.
Coding change: c.286G>T on transcript NM_002860.4 (MANE Select); coding-DNA position 286, G replaced by T.
Protein change: p.Ala96Ser; replaces alanine 96 with serine.
Molecular consequence: missense variant. On other transcripts: intron variant (4).
Genome position (GRCh38, 1-based): chr10:95,643,009, C>A on the plus strand (G>T on the coding strand, the complement: ALDH18A1 is on the minus strand). VCF-style: chr10-95643009-C-A. GRCh37 (hg19) VCF-style: chr10-97402766-C-A.
Other names: c.286G>T, p.Ala96Ser (NM_001017423.2, NM_001323413.2, NM_001323414.2 and 2 more transcripts); c.-78-9360G>T (NM_001323419.2); c.-30-5573G>T (NM_001323412.2, NM_001323418.2, NM_001323416.2); short protein forms A96S.
Identifiers: ClinVar variation 1879141 (VCV001879141.29), dbSNP rs2097894738, ClinGen allele CA377707588.
Genomic context (GRCh38, chr10:95,643,009, plus strand): 5'-AAACCCAATTTTAGTACAGCATAATTTCTATCTTGGCAATCACCTGCTCAACAATAGATG[C>A]CAAGCGCCCCAGGGCCAGGCCACATTCATCCCCTCGGGTCACCACGGCACTGCCGAGCTT-3'
Protein context (NP_002851.2, residues 86-106): DECGLALGRL[Ala96Ser]SIVEQVSVLQ